The following is an entry in ClinVar:

NM_007272.3(CTRC):c.449C>T (p.Pro150Leu)

Gene: CTRC (chymotrypsin C; plus strand). Cytogenetic location: 1p36.21.
Variant type: single nucleotide variant.
Coding change: c.449C>T on transcript NM_007272.3 (MANE Select); coding-DNA position 449, C replaced by T.
Protein change: p.Pro150Leu; replaces proline 150 with leucine.
Molecular consequence: missense variant.
Genome position (GRCh38, 1-based): chr1:15,443,511, C>T. VCF-style: chr1-15443511-C-T. GRCh37 (hg19) VCF-style: chr1-15770006-C-T.
Other names: short protein forms P150L.
Identifiers: ClinVar variation 1741014 (VCV001741014.2), dbSNP rs2526297318, ClinGen allele CA338566216.

ClinVar aggregate classification (germline): Uncertain significance (1 of 4 stars; one submission).

Conditions:
Hereditary pancreatitis (PCTT). Also called: Hereditary chronic pancreatitis; PRSS1-Related Hereditary Pancreatitis. Identifiers: Orphanet 676, MedGen C0238339, MONDO:0008185, OMIM 167800.

Submission:

Ambry Genetics
Classification: Uncertain significance for Hereditary pancreatitis. Last evaluated: 2021-06-23. Review status: criteria provided, single submitter. Criteria: Ambry Variant Classification Scheme 2023. Collection method: clinical testing. Allele origin: germline.
Comment: The p.P150L variant (also known as c.449C>T), located in coding exon 5 of the CTRC gene, results from a C to T substitution at nucleotide position 449. The proline at codon 150 is replaced by leucine, an amino acid with similar properties. This amino acid position is conserved. In addition, the in silico prediction for this alteration is inconclusive. Since supporting evidence is limited at this time, the clinical significance of this alteration remains unclear.